The following is an entry in ClinVar:

ClinVar aggregate classification (germline): Likely pathogenic (1 of 4 stars; one submission).

Conditions:
COG5-congenital disorder of glycosylation. Also called: CDG IIi; CONGENITAL DISORDER OF GLYCOSYLATION, TYPE IIi; COG5-CDG. Identifiers: Orphanet 263487, MedGen C3150876, MONDO:0013325, OMIM 613612.

Submission:

Labcorp Genetics (formerly Invitae), Labcorp
Classification: Likely pathogenic for COG5-congenital disorder of glycosylation. Last evaluated: 2024-10-23. Review status: criteria provided, single submitter. Criteria: Invitae Variant Classification Sherloc (09022015). Collection method: clinical testing. Allele origin: germline.
Comment: This sequence change affects an acceptor splice site in intron 6 of the COG5 gene. It is expected to disrupt RNA splicing. Variants that disrupt the donor or acceptor splice site typically lead to a loss of protein function (PMID: 16199547), and loss-of-function variants in COG5 are known to be pathogenic (PMID: 23228021). This variant is not present in population databases (gnomAD no frequency). This variant has not been reported in the literature in individuals affected with COG5-related conditions. Algorithms developed to predict the effect of sequence changes on RNA splicing suggest that this variant may disrupt the consensus splice site. In summary, the currently available evidence indicates that the variant is pathogenic, but additional data are needed to prove that conclusively. Therefore, this variant has been classified as Likely Pathogenic.

Literature cited by the submitters: PubMed 16199547; PubMed 23228021.

NM_006348.5(COG5):c.539-2A>G

Gene: COG5 (component of oligomeric golgi complex 5; minus strand). Cytogenetic location: 7q22.3.
Variant type: single nucleotide variant.
Coding change: c.539-2A>G on transcript NM_006348.5 (MANE Select); the canonical splice acceptor site of the intron before coding-DNA position 539, A replaced by G.
Molecular consequence: splice acceptor variant. On other transcripts: intron variant (2).
Genome position (GRCh38, 1-based): chr7:107,412,634, T>C on the plus strand (A>G on the coding strand, the complement: COG5 is on the minus strand). VCF-style: chr7-107412634-T-C. GRCh37 (hg19) VCF-style: chr7-107053079-T-C.
Other names: c.235-50524A>G (NM_001379516.1); c.539-114288A>G (NM_001379515.1); c.539-2A>G (NM_001379511.1, NM_001379512.1, NM_181733.4 and 3 more transcripts).
Identifiers: ClinVar variation 2817404 (VCV002817404.3), dbSNP rs2536744098, ClinGen allele CA368939307.